The following is an entry in ClinVar:

ClinVar aggregate classification (germline): Uncertain significance (1 of 4 stars; one submission).

Conditions:
MYL4-related disorder. Also called: MYL4-related condition.

Allele frequency attached by ClinVar (database versions not stated): gnomAD exomes below 0.00001; TOPMed below 0.00001.
gnomAD v4.1: 5 of 1,614,148 alleles (0.00031%); highest among the groups gnomAD compares: Non-Finnish European, 0.00042%; no homozygotes.

Submission:

PreventionGenetics, part of Exact Sciences
Classification: Uncertain significance for MYL4-related condition. Last evaluated: 2023-02-06. Review status: criteria provided, single submitter. Criteria: ACMG Guidelines, 2015. Collection method: clinical testing. Allele origin: germline.
Comment: The MYL4 c.376A>G variant is predicted to result in the amino acid substitution p.Asn126Asp. To our knowledge, this variant has not been reported in the literature or in a large population database, indicating this variant is rare. At this time, the clinical significance of this variant is uncertain due to the absence of conclusive functional and genetic evidence.

NM_002476.2(MYL4):c.376A>G (p.Asn126Asp)

Gene: MYL4 (myosin light chain 4; plus strand). Cytogenetic location: 17q21.32.
Variant type: single nucleotide variant.
Coding change: c.376A>G on transcript NM_002476.2 (MANE Select); coding-DNA position 376, A replaced by G.
Protein change: p.Asn126Asp; replaces asparagine 126 with aspartic acid.
Molecular consequence: missense variant.
Genome position (GRCh38, 1-based): chr17:47,221,744, A>G. VCF-style: chr17-47221744-A-G. GRCh37 (hg19) VCF-style: chr17-45299110-A-G.
Other names: c.376A>G, p.Asn126Asp (NM_001002841.2); short protein forms N126D.
Identifiers: ClinVar variation 2635232 (VCV002635232.1), dbSNP rs758768590, ClinGen allele CA291225738.
Genomic context (GRCh38, chr17:47,221,744, plus strand): 5'-ATGAATGTCAAGATGCTGGACTTTGAGACGTTCTTGCCCATCCTGCAGCACATTTCCCGC[A>G]ACAAGGAGCAGGGCACCTATGAGGACTTCGTGGAGGGCCTGCGTGTCTTTGACAAGGAGA-3'
Protein context (NP_002467.1, residues 116-136): FLPILQHISR[Asn126Asp]KEQGTYEDFV